The following is an entry in ClinVar:

NM_004415.4(DSP):c.6278T>C (p.Ile2093Thr)

Gene: DSP (desmoplakin; plus strand). Cytogenetic location: 6p24.3.
Variant type: single nucleotide variant.
Coding change: c.6278T>C on transcript NM_004415.4 (MANE Select); coding-DNA position 6278, T replaced by C.
Protein change: p.Ile2093Thr; replaces isoleucine 2093 with threonine.
Molecular consequence: missense variant.
Genome position (GRCh38, 1-based): chr6:7,583,540, T>C. VCF-style: chr6-7583540-T-C. GRCh37 (hg19) VCF-style: chr6-7583773-T-C.
Other names: c.4481T>C, p.Ile1494Thr (NM_001008844.3); c.4949T>C, p.Ile1650Thr (NM_001319034.2); short protein forms I1494T, I1650T, I2093T.
Identifiers: ClinVar variation 2946907 (VCV002946907.3), dbSNP rs2533940228, ClinGen allele CA362690458.

ClinVar aggregate classification (germline): Uncertain significance (1 of 4 stars; one submission).

Conditions:
Arrhythmogenic cardiomyopathy with wooly hair and keratoderma. Also called: Dilated cardiomyopathy with woolly hair and keratoderma; PALMOPLANTAR KERATODERMA WITH LEFT VENTRICULAR CARDIOMYOPATHY AND WOOLLY HAIR; Carvajal syndrome; Arrhythmogenic cardiomyopathy with woolly hair and keratoderma. Identifiers: Orphanet 65282, MedGen C1854063, MONDO:0011581, OMIM 605676.
Arrhythmogenic right ventricular dysplasia 8 (ARVD8). Also called: Arrhythmogenic Right Ventricular Dysplasia/Cardiomyopathy 8; ARRHYTHMOGENIC RIGHT VENTRICULAR DYSPLASIA, FAMILIAL, 8; ARRHYTHMOGENIC RIGHT VENTRICULAR CARDIOMYOPATHY 8. Identifiers: MedGen C1843896, MONDO:0011831, OMIM 607450.

Submission:

Labcorp Genetics (formerly Invitae), Labcorp
Classification: Uncertain significance for Arrhythmogenic cardiomyopathy with wooly hair and keratoderma; Arrhythmogenic right ventricular dysplasia 8. Last evaluated: 2023-05-17. Review status: criteria provided, single submitter. Criteria: Invitae Variant Classification Sherloc (09022015). Collection method: clinical testing. Allele origin: germline.
Comment: This variant has not been reported in the literature in individuals affected with DSP-related conditions. An algorithm developed to predict the effect of missense changes on protein structure and function (PolyPhen-2) suggests that this variant is likely to be tolerated. This variant is not present in population databases (gnomAD no frequency). This sequence change replaces isoleucine, which is neutral and non-polar, with threonine, which is neutral and polar, at codon 2093 of the DSP protein (p.Ile2093Thr). In summary, the available evidence is currently insufficient to determine the role of this variant in disease. Therefore, it has been classified as a Variant of Uncertain Significance.